The following is an entry in ClinVar:

ClinVar aggregate classification (germline): Uncertain significance (1 of 4 stars; one submission).

Submission:

Labcorp Genetics (formerly Invitae), Labcorp
Classification: Uncertain significance. Last evaluated: 2025-06-11. Review status: criteria provided, single submitter. Criteria: Invitae Variant Classification Sherloc (09022015). Collection method: clinical testing. Allele origin: germline.
Comment: This sequence change replaces cysteine, which is neutral and slightly polar, with phenylalanine, which is neutral and non-polar, at codon 468 of the HPS5 protein (p.Cys468Phe). This variant is not present in population databases (gnomAD no frequency). This variant has not been reported in the literature in individuals affected with HPS5-related conditions. An algorithm developed to predict the effect of missense changes on protein structure and function (PolyPhen-2) suggests that this variant is likely to be disruptive. Algorithms developed to predict the effect of sequence changes on RNA splicing suggest that this variant may create or strengthen a splice site. In summary, the available evidence is currently insufficient to determine the role of this variant in disease. Therefore, it has been classified as a Variant of Uncertain Significance.

NM_181507.2(HPS5):c.1403G>T (p.Cys468Phe)

Gene: HPS5 (HPS5 biogenesis of lysosomal organelles complex 2 subunit 2; minus strand). Cytogenetic location: 11p15.1.
Variant type: single nucleotide variant.
Coding change: c.1403G>T on transcript NM_181507.2 (MANE Select); coding-DNA position 1403, G replaced by T.
Protein change: p.Cys468Phe; replaces cysteine 468 with phenylalanine.
Molecular consequence: missense variant.
Genome position (GRCh38, 1-based): chr11:18,296,905, C>A on the plus strand (G>T on the coding strand, the complement: HPS5 is on the minus strand). VCF-style: chr11-18296905-C-A. GRCh37 (hg19) VCF-style: chr11-18318452-C-A.
Other names: c.1403G>T, p.Cys468Phe (NM_001440902.1, NM_001440903.1, NM_001440904.1 and 5 more transcripts); c.1328G>T, p.Cys443Phe (NM_001440907.1, NM_001440908.1, NM_001440909.1); c.1292G>T, p.Cys431Phe (NM_001440913.1, NM_001440914.1, NM_001440915.1); c.1217G>T, p.Cys406Phe (NM_001440918.1); c.1190G>T, p.Cys397Phe (NM_001440919.1); c.1061G>T, p.Cys354Phe (NM_001440920.1, NM_001440921.1, NM_001440922.1 and 7 more transcripts); c.989G>T, p.Cys330Phe (NM_001440927.1, NM_001440928.1, NM_001440929.1); short protein forms C354F, C406F, C431F, C330F, C397F, C443F, C468F.
Identifiers: ClinVar variation 4740315 (VCV004740315.1).